The following is an entry in ClinVar:

ClinVar aggregate classification (germline): Likely pathogenic (1 of 4 stars; one submission).

Submission:

Labcorp Genetics (formerly Invitae), Labcorp
Classification: Likely pathogenic. Last evaluated: 2021-09-09. Review status: criteria provided, single submitter. Criteria: Invitae Variant Classification Sherloc (09022015). Collection method: clinical testing. Allele origin: germline.
Comment: In summary, the currently available evidence indicates that the variant is pathogenic, but additional data are needed to prove that conclusively. Therefore, this variant has been classified as Likely Pathogenic. This variant disrupts the p.Gly26 amino acid residue in BEST1. Other variant(s) that disrupt this residue have been observed in individuals with BEST1-related conditions (PMID: 14517959), which suggests that this may be a clinically significant amino acid residue. Advanced modeling of protein sequence and biophysical properties (such as structural, functional, and spatial information, amino acid conservation, physicochemical variation, residue mobility, and thermodynamic stability) performed at Invitae indicates that this missense variant is expected to disrupt BEST1 protein function. This missense change has been observed in individuals with Best disease (PMID: 32321300; Invitae). This variant is not present in population databases (ExAC no frequency). This sequence change replaces glycine with serine at codon 26 of the BEST1 protein (p.Gly26Ser). The glycine residue is highly conserved and there is a small physicochemical difference between glycine and serine.

Literature cited by the submitters: PubMed 14517959; PubMed 32321300.

NM_004183.4(BEST1):c.76G>A (p.Gly26Ser)

Gene: BEST1 (bestrophin 1; plus strand). Cytogenetic location: 11q12.3.
Variant type: single nucleotide variant.
Coding change: c.76G>A on transcript NM_004183.4 (MANE Select); coding-DNA position 76, G replaced by A.
Protein change: p.Gly26Ser; replaces glycine 26 with serine.
Molecular consequence: missense variant. On other transcripts: non-coding transcript variant (1), intron variant (6).
Genome position (GRCh38, 1-based): chr11:61,951,882, G>A. VCF-style: chr11-61951882-G-A. GRCh37 (hg19) VCF-style: chr11-61719354-G-A.
Other names: c.76G>A, p.Gly26Ser (NM_001363592.2, NM_001440571.1, NM_001440572.1 and 1 more transcripts); c.-29+1455G>A (NM_001139443.3, NM_001300787.2, NM_001440574.1 and 3 more transcripts); short protein forms G26S.
Identifiers: ClinVar variation 1489288 (VCV001489288.6), dbSNP rs2134409637, ClinGen allele CA380831522.